The following is an entry in ClinVar:

ClinVar aggregate classification (germline): Uncertain significance. Review status: criteria provided, multiple submitters, no conflicts (2 of 4 stars). 2 submissions from 2 submitters: Uncertain significance (2). Last evaluated 2023-12-13.

Conditions:
Catecholaminergic polymorphic ventricular tachycardia (CVPT). Also called: Catecholamine-induced polymorphic ventricular tachycardia. Identifiers: Orphanet 3286, MedGen C5574922, MONDO:0017990.
Catecholaminergic polymorphic ventricular tachycardia 1. Also called: VENTRICULAR TACHYCARDIA, CATECHOLAMINERGIC POLYMORPHIC, 1, WITH OR WITHOUT ATRIAL DYSFUNCTION AND/OR DILATED CARDIOMYOPATHY; RYR2-Related Catecholaminergic Polymorphic Ventricular Tachycardia; VENTRICULAR TACHYCARDIA, STRESS-INDUCED POLYMORPHIC 1. Identifiers: Orphanet 3286, MedGen C1631597, MONDO:0011484, OMIM 604772.

Allele frequency attached by ClinVar (database versions not stated): gnomAD exomes below 0.00001.
gnomAD v4.1: 2 of 1,590,812 alleles (0.00013%); highest among the groups gnomAD compares: Non-Finnish European, 0.00017%; no homozygotes.

Submissions (2):

All of Us Research Program, National Institutes of Health
Classification: Uncertain significance for Catecholaminergic polymorphic ventricular tachycardia. Last evaluated: 2023-12-13. Review status: criteria provided, single submitter. Criteria: ACMG Guidelines, 2015. Collection method: clinical testing. Allele origin: germline. Inheritance: Autosomal dominant inheritance. Observed: 1 variant allele, 1 heterozygote.
Comment: This missense variant replaces isoleucine with threonine at codon 3374 of the RYR2 protein. Computational prediction suggests that this variant may have deleterious impact on protein structure and function (internally defined REVEL score threshold >= 0.7, PMID: 27666373). To our knowledge, functional studies have not been reported for this variant. This variant has not been reported in individuals affected with RYR2-related disorders in the literature. This variant has been identified in 1/233758 chromosomes in the general population by the Genome Aggregation Database (gnomAD). The available evidence is insufficient to determine the role of this variant in disease conclusively. Therefore, this variant is classified as a Variant of Uncertain Significance.

This study involves interpretation of variants in research participants for the purpose of population health screening. Participant phenotype was not available at the time of variant classification. Additional details can be found in publication PMID: 35346344, PMCID: PMC8962531

Labcorp Genetics (formerly Invitae), Labcorp
Classification: Uncertain significance for Catecholaminergic polymorphic ventricular tachycardia 1. Last evaluated: 2023-10-18. Review status: criteria provided, single submitter. Criteria: Invitae Variant Classification Sherloc (09022015). Collection method: clinical testing. Allele origin: germline.
Comment: This sequence change replaces isoleucine, which is neutral and non-polar, with threonine, which is neutral and polar, at codon 3374 of the RYR2 protein (p.Ile3374Thr). This variant is not present in population databases (gnomAD no frequency). This variant has not been reported in the literature in individuals affected with RYR2-related conditions. Advanced modeling of protein sequence and biophysical properties (such as structural, functional, and spatial information, amino acid conservation, physicochemical variation, residue mobility, and thermodynamic stability) performed at Invitae indicates that this missense variant is expected to disrupt RYR2 protein function. In summary, the available evidence is currently insufficient to determine the role of this variant in disease. Therefore, it has been classified as a Variant of Uncertain Significance.

NM_001035.3(RYR2):c.10121T>C (p.Ile3374Thr)

Gene: RYR2 (ryanodine receptor 2; plus strand). Cytogenetic location: 1q43.
Variant type: single nucleotide variant.
Coding change: c.10121T>C on transcript NM_001035.3 (MANE Select); coding-DNA position 10121, T replaced by C.
Protein change: p.Ile3374Thr; replaces isoleucine 3374 with threonine.
Molecular consequence: missense variant.
Genome position (GRCh38, 1-based): chr1:237,709,077, T>C. VCF-style: chr1-237709077-T-C. GRCh37 (hg19) VCF-style: chr1-237872377-T-C.
Other names: short protein forms I3374T.
Identifiers: ClinVar variation 2963587 (VCV002963587.4), dbSNP rs1558263208, ClinGen allele CA345411243.